The following is an entry in ClinVar:

ClinVar aggregate classification (germline): Uncertain significance (1 of 4 stars; one submission).

gnomAD v4.1: 1 of 1,614,040 alleles (0.000062%); highest among the groups gnomAD compares: Non-Finnish European, 0.000085%; no homozygotes.

Submission:

GeneDx
Classification: Uncertain significance. Last evaluated: 2024-09-19. Review status: criteria provided, single submitter. Criteria: GeneDx Variant Classification Process June 2021. Collection method: clinical testing. Allele origin: germline. Affected: yes.
Comment: Not observed at significant frequency in large population cohorts (gnomAD); In silico analysis supports that this missense variant has a deleterious effect on protein structure/function; Has not been previously published as pathogenic or benign to our knowledge

NM_004172.5(SLC1A3):c.983A>G (p.His328Arg)

Genes: SLC1A3 (solute carrier family 1 member 3; plus strand), SLC1A3-AS1 (SLC1A3 antisense RNA 1; minus strand). Cytogenetic location: 5p13.2.
Variant type: single nucleotide variant.
Coding change: c.983A>G on transcript NM_004172.5 (MANE Select); coding-DNA position 983, A replaced by G.
Protein change: p.His328Arg; replaces histidine 328 with arginine.
Molecular consequence: missense variant.
Genome position (GRCh38, 1-based): chr5:36,679,749, A>G. VCF-style: chr5-36679749-A-G. GRCh37 (hg19) VCF-style: chr5-36679851-A-G.
Other names: c.983A>G, p.His328Arg (NM_001166695.3); c.845A>G, p.His282Arg (NM_001289939.2); c.647A>G, p.His216Arg (NM_001289940.2); short protein forms H216R, H282R, H328R.
Identifiers: ClinVar variation 3773998 (VCV003773998.1).